The following is an entry in ClinVar:

NM_001967.4(EIF4A2):c.365T>G (p.Leu122Arg)

Gene: EIF4A2 (eukaryotic translation initiation factor 4A2; plus strand). Cytogenetic location: 3q27.3.
Variant type: single nucleotide variant.
Coding change: c.365T>G on transcript NM_001967.4 (MANE Select); coding-DNA position 365, T replaced by G.
Protein change: p.Leu122Arg; replaces leucine 122 with arginine.
Molecular consequence: missense variant.
Genome position (GRCh38, 1-based): chr3:186,785,899, T>G. VCF-style: chr3-186785899-T-G. GRCh37 (hg19) VCF-style: chr3-186503688-T-G.
Other names: short protein forms L122R.
Identifiers: ClinVar variation 3772565 (VCV003772565.13).
Genomic context (GRCh38, chr3:186,785,899, plus strand): 5'-GATCCTGGAGTTCTGCGGAATAATAATTAAGGCTTGGGTTTTAGATCCAAAAGGTAATTC[T>G]GGCACTTGGAGACTATATGGGAGCCACTTGTCATGCCTGCATTGGTGGAACAAATGTTCG-3'
Protein context (NP_001958.2, residues 112-132): ELAQQIQKVI[Leu122Arg]ALGDYMGATC

ClinVar aggregate classification (germline): Uncertain significance (1 of 4 stars; one submission).

Submission:

CeGaT Center for Human Genetics Tuebingen
Classification: Uncertain significance. Last evaluated: 2025-02-01. Review status: criteria provided, single submitter. Criteria: CeGaT Center For Human Genetics Tuebingen Variant Classification Criteria Version 2. Collection method: clinical testing. Allele origin: germline. Affected: yes. Observed: 1 variant allele.
Comment: EIF4A2: PM2, PP2